The following is an entry in ClinVar:

NM_001103.4(ACTN2):c.1778T>C (p.Ile593Thr)

Gene: ACTN2 (actinin alpha 2; plus strand). Cytogenetic location: 1q43.
Variant type: single nucleotide variant.
Coding change: c.1778T>C on transcript NM_001103.4 (MANE Select); coding-DNA position 1778, T replaced by C.
Protein change: p.Ile593Thr; replaces isoleucine 593 with threonine.
Molecular consequence: missense variant.
Genome position (GRCh38, 1-based): chr1:236,751,591, T>C. VCF-style: chr1-236751591-T-C. GRCh37 (hg19) VCF-style: chr1-236914891-T-C.
Other names: c.1778T>C, p.Ile593Thr (NM_001278343.2); c.1154T>C, p.Ile385Thr (NM_001278344.2); c.1028T>C, p.Ile343Thr (NM_001412150.1); short protein forms I385T, I343T, I593T.
Identifiers: ClinVar variation 1779913 (VCV001779913.8), dbSNP rs371143839, ClinGen allele CA1473251.

ClinVar aggregate classification (germline): Conflicting classifications of pathogenicity. Review status: criteria provided, conflicting classifications (1 of 4 stars). 2 submissions from 2 submitters: Uncertain significance (1); Likely benign (1). Last evaluated 2026-01-31.

Conditions:
Cardiovascular phenotype. Identifiers: MedGen CN230736.
Dilated cardiomyopathy 1AA (CMD1AA). Also called: Cardiomyopathy, dilated, 1AA, with or without LVNC; CARDIOMYOPATHY, DILATED, 1AA, WITH OR WITHOUT LEFT VENTRICULAR NONCOMPACTION; CARDIOMYOPATHY, FAMILIAL HYPERTROPHIC, 23, WITH OR WITHOUT LEFT VENTRICULAR NONCOMPACTION. Identifiers: Orphanet 154, MedGen C2677338, MONDO:0012808, OMIM 612158.
Primary familial hypertrophic cardiomyopathy (HCM). Identifiers: Orphanet 99739, MedGen C0949658, MeSH D024741, MONDO:0024573. Inheritance: Various modes of inheritance.

Allele frequency attached by ClinVar (database versions not stated): ExAC 0.00002; gnomAD 0.00002; TOPMed 0.00002; ESP Exome Variant Server 0.00008.
gnomAD v4.1: 3 of 1,613,852 alleles (0.00019%); highest among the groups gnomAD compares: African/African-American, 0.004%; no homozygotes.

Submissions (2):

Labcorp Genetics (formerly Invitae), Labcorp
Classification: Likely benign for Primary familial hypertrophic cardiomyopathy; Dilated cardiomyopathy 1AA. Last evaluated: 2026-01-31. Review status: criteria provided, single submitter. Criteria: Invitae Variant Classification Sherloc (09022015). Collection method: clinical testing. Allele origin: germline.

Ambry Genetics
Classification: Uncertain significance for Cardiovascular phenotype. Last evaluated: 2025-05-19. Review status: criteria provided, single submitter. Criteria: Ambry Variant Classification Scheme 2023. Collection method: clinical testing. Allele origin: germline.
Comment: The p.I593T variant (also known as c.1778T>C), located in coding exon 15 of the ACTN2 gene, results from a T to C substitution at nucleotide position 1778. The isoleucine at codon 593 is replaced by threonine, an amino acid with similar properties. This amino acid position is conserved. In addition, this alteration is predicted to be tolerated by in silico analysis. Based on the available evidence, the clinical significance of this variant remains unclear.